The following is an entry in ClinVar:

ClinVar aggregate classification (germline): Likely benign (1 of 4 stars; one submission).

gnomAD v4.1: 18 of 1,549,798 alleles (0.0012%); highest among the groups gnomAD compares: East Asian, 0.0024%; no homozygotes.

Submission:

CeGaT Center for Human Genetics Tuebingen
Classification: Likely benign. Last evaluated: 2025-05-01. Review status: criteria provided, single submitter. Criteria: CeGaT Center For Human Genetics Tuebingen Variant Classification Criteria Version 2. Collection method: clinical testing. Allele origin: germline. Affected: yes. Observed: 1 variant allele.
Comment: WDR81: BP4, BP7

NM_001163809.2(WDR81):c.2376C>T (p.Pro792=)

Gene: WDR81 (WD repeat domain 81; plus strand). Cytogenetic location: 17p13.3.
Variant type: single nucleotide variant.
Coding change: c.2376C>T on transcript NM_001163809.2 (MANE Select); coding-DNA position 2376, C replaced by T.
Protein change: p.Pro792=; no amino-acid change (proline 792 retained).
Molecular consequence: synonymous variant. On other transcripts: intron variant (3).
Genome position (GRCh38, 1-based): chr17:1,727,335, C>T. VCF-style: chr17-1727335-C-T. GRCh37 (hg19) VCF-style: chr17-1630629-C-T.
Other names: c.-123-655C>T (NM_152348.4); c.59-3045C>T (NM_001163673.2); c.-15+2549C>T (NM_001163811.2).
Identifiers: ClinVar variation 3905408 (VCV003905408.10).